The following is an entry in ClinVar:

NM_032119.4(ADGRV1):c.13273_13280del (p.Leu4425fs)

Gene: ADGRV1 (adhesion G protein-coupled receptor V1; plus strand). Cytogenetic location: 5q14.3.
Variant type: Deletion.
Coding change: c.13273_13280del on transcript NM_032119.4 (MANE Select); coding-DNA positions 13273 to 13280, 8 bases deleted (CTACATGG; older notation c.13273_13280delCTACATGG).
Protein change: p.Leu4425fs; shifts the reading frame from leucine 4425.
Molecular consequence: frameshift variant. On other transcripts: non-coding transcript variant (1).
Genome position (GRCh38, 1-based): chr5:90,783,165-90,783,172, CTACATGG deleted; deleting any 8 consecutive bases within chr5:90,783,163-90,783,172 gives the same sequence; the c. name uses the placement nearest the transcript's 3' end. VCF-style (leftmost placement, unchanged base first): chr5-90783162-AGGCTACAT-A. GRCh37 (hg19) VCF-style: chr5-90078979-AGGCTACAT-A.
Other names: c.13273_13280delCTACATGG (NM_032119.3); c.13273_13280del (NM_032119.3); short protein forms L4425fs.
Identifiers: ClinVar variation 1878392 (VCV001878392.7), dbSNP rs776971498, ClinGen allele CA3341487.

ClinVar aggregate classification (germline): Pathogenic/Likely pathogenic. Review status: criteria provided, multiple submitters, no conflicts (2 of 4 stars). 3 submissions from 3 submitters: Pathogenic (1); Likely pathogenic (2). Last evaluated 2025-03-20.

Conditions:
Usher syndrome. Also called: Usher Syndromes; Usher's syndrome. Identifiers: Orphanet 886, MedGen CN469326, MeSH D052245, MONDO:0019501. Disease mechanism: loss of function.

Submissions (3):

GeneDx
Classification: Likely pathogenic. Last evaluated: 2025-03-20. Review status: criteria provided, single submitter. Criteria: GeneDx Variant Classification Process June 2021. Collection method: clinical testing. Allele origin: germline. Affected: yes.
Comment: Frameshift variant predicted to result in protein truncation or nonsense mediated decay in a gene for which loss of function is a known mechanism of disease; Not observed at significant frequency in large population cohorts (gnomAD); Has not been previously published as pathogenic or benign in association with ADGRV1-related disorder to our knowledge; This variant is associated with the following publications: (PMID: 31964843)

Women's Health and Genetics/Laboratory Corporation of America, LabCorp
Classification: Likely pathogenic for Usher syndrome. Last evaluated: 2022-12-27. Review status: criteria provided, single submitter. Criteria: LabCorp Variant Classification Summary - May 2015. Collection method: clinical testing. Allele origin: germline.
Comment: Variant summary: ADGRV1 c.13273_13280delCTACATGG (p.Leu4425AsnfsX8) results in a premature termination codon, predicted to cause a truncation of the encoded protein or absence of the protein due to nonsense mediated decay, which are commonly known mechanisms for disease. Truncations downstream of this position have been classified as pathogenic by our laboratory. The variant allele was found at a frequency of 4e-06 in 248980 control chromosomes. To our knowledge, no occurrence of c.13273_13280delCTACATGG in individuals affected with Usher Syndrome and no experimental evidence demonstrating its impact on protein function have been reported. No clinical diagnostic laboratories have submitted clinical-significance assessments for this variant to ClinVar after 2014. Based on the evidence outlined above, the variant was classified as likely pathogenic.

Labcorp Genetics (formerly Invitae), Labcorp
Classification: Pathogenic. Last evaluated: 2022-04-24. Review status: criteria provided, single submitter. Criteria: Invitae Variant Classification Sherloc (09022015). Collection method: clinical testing. Allele origin: germline.
Comment: Algorithms developed to predict the effect of sequence changes on RNA splicing suggest that this variant may disrupt the consensus splice site. This variant has not been reported in the literature in individuals affected with ADGRV1-related conditions. This variant is present in population databases (rs776971498, gnomAD 0.003%). This sequence change creates a premature translational stop signal (p.Leu4425Asnfs*8) in the ADGRV1 gene. It is expected to result in an absent or disrupted protein product. Loss-of-function variants in ADGRV1 are known to be pathogenic (PMID: 19357117, 22135276, 22147658, 26226137, 26667666, 30029497, 32467589). For these reasons, this variant has been classified as Pathogenic.

Literature cited by the submitters: PubMed 19357117 (cited by Labcorp Genetics (formerly Invitae), Labcorp); PubMed 22135276 (cited by Labcorp Genetics (formerly Invitae), Labcorp); PubMed 22147658 (cited by Labcorp Genetics (formerly Invitae), Labcorp); PubMed 26226137 (cited by Labcorp Genetics (formerly Invitae), Labcorp); PubMed 26667666 (cited by Labcorp Genetics (formerly Invitae), Labcorp); PubMed 30029497 (cited by Labcorp Genetics (formerly Invitae), Labcorp); PubMed 32467589 (cited by Labcorp Genetics (formerly Invitae), Labcorp).